The following is an entry in ClinVar:

NM_001282874.2(SMARCA1):c.88G>A (p.Gly30Arg)

Gene: SMARCA1 (SNF2 related chromatin remodeling ATPase 1; minus strand). Cytogenetic location: Xq26.1.
Variant type: single nucleotide variant.
Coding change: c.88G>A on transcript NM_001282874.2 (MANE Select); coding-DNA position 88, G replaced by A.
Protein change: p.Gly30Arg; replaces glycine 30 with arginine.
Molecular consequence: missense variant.
Genome position (GRCh38, 1-based): chrX:129,523,283, C>T on the plus strand (G>A on the coding strand, the complement: SMARCA1 is on the minus strand). VCF-style: chrX-129523283-C-T. GRCh37 (hg19) VCF-style: chrX-128657260-C-T.
Other names: c.88G>A, p.Gly30Arg (NM_001282875.2, NM_001378261.1, NM_001378262.1 and 3 more transcripts); short protein forms G30R.
Identifiers: ClinVar variation 2541165 (VCV002541165.3), dbSNP rs778380103, ClinGen allele CA414550012.

ClinVar aggregate classification (germline): Uncertain significance. Review status: criteria provided, multiple submitters, no conflicts (2 of 4 stars). 2 submissions from 2 submitters: Uncertain significance (2). Last evaluated 2023-04-26.

gnomAD v4.1: 2 of 1,207,176 alleles (0.00017%); highest among the groups gnomAD compares: East Asian, 0.0059%; no homozygotes.

Submissions (2):

Ambry Genetics
Classification: Uncertain significance. Last evaluated: 2023-04-26. Review status: criteria provided, single submitter. Criteria: Ambry Variant Classification Scheme 2023. Collection method: clinical testing. Allele origin: germline.

GeneDx
Classification: Uncertain significance. Last evaluated: 2022-09-06. Review status: criteria provided, single submitter. Criteria: GeneDx Variant Classification Process June 2021. Collection method: clinical testing. Allele origin: germline. Affected: yes.
Comment: Not observed at significant frequency in large population cohorts (gnomAD); In silico analysis supports that this missense variant does not alter protein structure/function; Has not been previously published as pathogenic or benign to our knowledge; Variants in candidate genes are classified as variants of uncertain significance in accordance with ACMG guidelines (Richards et al., 2015)